The following is an entry in ClinVar:

ClinVar aggregate classification (germline): Uncertain significance (1 of 4 stars; one submission).

Conditions:
Vertebral anomalies and variable endocrine and T-cell dysfunction. Identifiers: MedGen C4748741, MONDO:0032607, OMIM 618223.

gnomAD v4.1: 3 of 1,612,852 alleles (0.00019%); highest among the groups gnomAD compares: African/African-American, 0.0013%; no homozygotes.

Submission:

Dasa
Classification: Uncertain significance for Vertebral anomalies and variable endocrine and T-cell dysfunction. Last evaluated: 2026-02-20. Review status: criteria provided, single submitter. Criteria: DASA Assertion Criteria. Collection method: clinical testing. Allele origin: germline.
Comment: NM_005994.4(TBX2):c.455T>G (p.Ile152Ser) is a missense variant that results in the substitution of isoleucine with serine. This variant is rare in population databases. Computational prediction algorithms are consistent with a deleterious effect. The currently available literature and clinical evidence are not sufficient to establish a definitive association between this variant and the reported condition. Therefore, this variant is classified as a variant of uncertain significance.

NM_005994.4(TBX2):c.455T>G (p.Ile152Ser)

Gene: TBX2 (T-box transcription factor 2; plus strand). Cytogenetic location: 17q23.2.
Variant type: single nucleotide variant.
Coding change: c.455T>G on transcript NM_005994.4 (MANE Select); coding-DNA position 455, T replaced by G.
Protein change: p.Ile152Ser; replaces isoleucine 152 with serine.
Molecular consequence: missense variant.
Genome position (GRCh38, 1-based): chr17:61,401,743, T>G. VCF-style: chr17-61401743-T-G. GRCh37 (hg19) VCF-style: chr17-59479104-T-G.
Other names: short protein forms I152S.
Identifiers: ClinVar variation 4883345 (VCV004883345.2).
Genomic context (GRCh38, chr17:61,401,743, plus strand): 5'-GGCGGATGTTCCCCCCCTTCAAGGTGCGAGTCAGCGGCCTGGACAAGAAGGCCAAGTATA[T>G]CCTGCTGATGGACATTGTAGCCGCTGACGATTGCCGCTATAAGTTCCACAACTCGCGCTG-3'
Protein context (NP_005985.3, residues 142-162): VSGLDKKAKY[Ile152Ser]LLMDIVAADD